The following is an entry in ClinVar:

NM_024422.6(DSC2):c.1846A>G (p.Thr616Ala)

Gene: DSC2 (desmocollin 2; minus strand). Cytogenetic location: 18q12.1.
Variant type: single nucleotide variant.
Coding change: c.1846A>G on transcript NM_024422.6 (MANE Select); coding-DNA position 1846, A replaced by G.
Protein change: p.Thr616Ala; replaces threonine 616 with alanine.
Molecular consequence: missense variant.
Genome position (GRCh38, 1-based): chr18:31,074,725, T>C on the plus strand (A>G on the coding strand, the complement: DSC2 is on the minus strand). VCF-style: chr18-31074725-T-C. GRCh37 (hg19) VCF-style: chr18-28654691-T-C.
Other names: c.1846A>G, p.Thr616Ala (NM_004949.5); short protein forms T616A.
Identifiers: ClinVar variation 927430 (VCV000927430.10), dbSNP rs753887142, ClinGen allele CA033423.
Genomic context (GRCh38, chr18:31,074,725, plus strand): 5'-ATTTTCAAAAATATATACCATTAATTGCTTTCAGTCTCCACATTCTCTGTACTTCTGAAG[T>C]AGAACTCTCCAGACTAAAGTCAAAGGGTGGGCCATGGATAGGCTCATCAGGATCAACCGC-3'
Protein context (NP_077740.1, residues 606-626): PPFDFSLESS[Thr616Ala]SEVQRMWRLK

ClinVar aggregate classification (germline): Conflicting classifications of pathogenicity. Review status: criteria provided, conflicting classifications (1 of 4 stars). 4 submissions from 4 submitters: Uncertain significance (3); Likely benign (1). Last evaluated 2025-07-03.

Conditions:
Cardiovascular phenotype. Identifiers: MedGen CN230736.
Familial isolated arrhythmogenic right ventricular dysplasia. Identifiers: Orphanet 217656, MedGen C4274968, MONDO:0016342.
Arrhythmogenic right ventricular dysplasia 11. Also called: ARRHYTHMOGENIC RIGHT VENTRICULAR DYSPLASIA, FAMILIAL, 11; Arrhythmogenic Right Ventricular Dysplasia/Cardiomyopathy11; Arrhythmogenic right ventricular dysplasia 11 with mild palmoplantar keratoderma and woolly hair. Identifiers: MedGen C1864850, MONDO:0012506, OMIM 610476.
Cardiomyopathy (CMYO). Also called: Cardiomyopathies. Identifiers: Orphanet 167848, MedGen C0878544, MONDO:0004994, HP:0001638. Inheritance: Various modes of inheritance.

Allele frequency attached by ClinVar (database versions not stated): gnomAD exomes 0.00001 and 0.00002; ExAC 0.00002.
gnomAD v4.1: 11 of 1,613,922 alleles (0.00068%); highest among the groups gnomAD compares: East Asian, 0.0067%; no homozygotes.

Submissions (4):

Labcorp Genetics (formerly Invitae), Labcorp
Classification: Uncertain significance for Arrhythmogenic right ventricular dysplasia 11. Last evaluated: 2025-07-03. Review status: criteria provided, single submitter. Criteria: Invitae Variant Classification Sherloc (09022015). Collection method: clinical testing. Allele origin: germline.
Comment: This sequence change replaces threonine, which is neutral and polar, with alanine, which is neutral and non-polar, at codon 616 of the DSC2 protein (p.Thr616Ala). This variant is present in population databases (rs753887142, gnomAD 0.02%). This variant has not been reported in the literature in individuals affected with DSC2-related conditions. ClinVar contains an entry for this variant (Variation ID: 927430). Invitae Evidence Modeling of protein sequence and biophysical properties (such as structural, functional, and spatial information, amino acid conservation, physicochemical variation, residue mobility, and thermodynamic stability) indicates that this missense variant is not expected to disrupt DSC2 protein function with a negative predictive value of 80%. In summary, the available evidence is currently insufficient to determine the role of this variant in disease. Therefore, it has been classified as a Variant of Uncertain Significance.

Color Diagnostics, LLC DBA Color Health
Classification: Uncertain significance for Cardiomyopathy. Last evaluated: 2024-03-07. Review status: criteria provided, single submitter. Criteria: ACMG Guidelines, 2015. Collection method: clinical testing. Allele origin: germline.
Comment: This missense variant replaces threonine with alanine at codon 616 of the DSC2 protein. Computational prediction suggests that this variant may not impact protein structure and function (internally defined REVEL score threshold <= 0.5, PMID: 27666373). To our knowledge, functional studies have not been reported for this variant. This variant has not been reported in individuals affected with cardiovascular disorders in the literature. This variant has been identified in 5/251118 chromosomes in the general population by the Genome Aggregation Database (gnomAD). The available evidence is insufficient to determine the role of this variant in disease conclusively. Therefore, this variant is classified as a Variant of Uncertain Significance.

Ambry Genetics
Classification: Likely benign for Cardiovascular phenotype. Last evaluated: 2023-12-25. Review status: criteria provided, single submitter. Criteria: Ambry Variant Classification Scheme 2023. Collection method: clinical testing. Allele origin: germline.

All of Us Research Program, National Institutes of Health
Classification: Uncertain significance for Familial isolated arrhythmogenic right ventricular dysplasia. Last evaluated: 2023-07-10. Review status: criteria provided, single submitter. Criteria: ACMG Guidelines, 2015. Collection method: clinical testing. Allele origin: germline. Inheritance: Autosomal dominant inheritance. Observed: 2 variant alleles, 2 heterozygotes.
Comment: This missense variant replaces threonine with alanine at codon 616 of the DSC2 protein. Computational prediction suggests that this variant may not impact protein structure and function (internally defined REVEL score threshold <= 0.5, PMID: 27666373). To our knowledge, functional studies have not been reported for this variant. This variant has not been reported in individuals affected with cardiovascular disorders in the literature. This variant has been identified in 5/251118 chromosomes in the general population by the Genome Aggregation Database (gnomAD). The available evidence is insufficient to determine the role of this variant in disease conclusively. Therefore, this variant is classified as a Variant of Uncertain Significance.

This study involves interpretation of variants in research participants for the purpose of population health screening. Participant phenotype was not available at the time of variant classification. Additional details can be found in publication PMID: 35346344, PMCID: PMC8962531